The following is an entry in ClinVar:

NM_000051.4(ATM):c.5702T>G (p.Leu1901Trp)

Gene: ATM (ATM serine/threonine kinase; plus strand). Cytogenetic location: 11q22.3.
Variant type: single nucleotide variant.
Coding change: c.5702T>G on transcript NM_000051.4 (MANE Select); coding-DNA position 5702, T replaced by G.
Protein change: p.Leu1901Trp; replaces leucine 1901 with tryptophan.
Molecular consequence: missense variant.
Genome position (GRCh38, 1-based): chr11:108,307,924, T>G. VCF-style: chr11-108307924-T-G. GRCh37 (hg19) VCF-style: chr11-108178651-T-G.
Other names: c.5702T>G, p.Leu1901Trp (NM_001351834.2); short protein forms L1901W.
Identifiers: ClinVar variation 3451518 (VCV003451518.1).

ClinVar aggregate classification (germline): Uncertain significance (1 of 4 stars; one submission).

Conditions:
Hereditary cancer-predisposing syndrome. Also called: Tumor predisposition; Neoplastic Syndromes, Hereditary; Hereditary neoplastic syndrome; Hereditary Cancer Syndrome. Identifiers: Orphanet 140162, MedGen C0027672, MeSH D009386, MONDO:0015356.

Submission:

Ambry Genetics
Classification: Uncertain significance for Hereditary cancer-predisposing syndrome. Last evaluated: 2024-09-26. Review status: criteria provided, single submitter. Criteria: Ambry Variant Classification Scheme 2023. Collection method: clinical testing. Allele origin: germline.
Comment: The p.L1901W variant (also known as c.5702T>G), located in coding exon 37 of the ATM gene, results from a T to G substitution at nucleotide position 5702. The leucine at codon 1901 is replaced by tryptophan, an amino acid with similar properties. This amino acid position is not well conserved in available vertebrate species. In addition, this alteration is predicted to be tolerated by in silico analysis. Based on the available evidence, the clinical significance of this variant remains unclear.